The following is an entry in ClinVar:

NM_000179.3(MSH6):c.2468G>T (p.Ser823Ile)

Gene: MSH6 (mutS homolog 6; plus strand). Cytogenetic location: 2p16.3.
Variant type: single nucleotide variant.
Coding change: c.2468G>T on transcript NM_000179.3 (MANE Select); coding-DNA position 2468, G replaced by T.
Protein change: p.Ser823Ile; replaces serine 823 with isoleucine.
Molecular consequence: missense variant.
Genome position (GRCh38, 1-based): chr2:47,800,451, G>T. VCF-style: chr2-47800451-G-T. GRCh37 (hg19) VCF-style: chr2-48027590-G-T.
Other names: c.2078G>T, p.Ser693Ile (NM_001281492.2); c.1562G>T, p.Ser521Ile (NM_001281493.2, NM_001281494.2, NM_001406811.1 and 6 more transcripts); c.2564G>T, p.Ser855Ile (NM_001406795.1, NM_001406802.1); c.2468G>T, p.Ser823Ile (NM_001406796.1, NM_001406798.1, NM_001406800.1 and 2 more transcripts); c.2171G>T, p.Ser724Ile (NM_001406797.1, NM_001406801.1, NM_001406805.1 and 10 more transcripts); c.1943G>T, p.Ser648Ile (NM_001406799.1, NM_001406806.1, NM_001406807.1); c.2390G>T, p.Ser797Ile (NM_001406804.1); c.2474G>T, p.Ser825Ile (NM_001406813.1); and 1 more; short protein forms S767I, S797I, S825I, S648I, S693I, S823I, S521I, S724I.
Identifiers: ClinVar variation 1791721 (VCV001791721.3), dbSNP rs2104408330, ClinGen allele CA346754111.

ClinVar aggregate classification (germline): Uncertain significance. Review status: criteria provided, multiple submitters, no conflicts (2 of 4 stars). 2 submissions from 2 submitters: Uncertain significance (2). Last evaluated 2024-10-07.

Conditions:
Hereditary cancer-predisposing syndrome. Also called: Hereditary Cancer Syndrome; Hereditary neoplastic syndrome; Tumor predisposition; Neoplastic Syndromes, Hereditary. Identifiers: Orphanet 140162, MedGen C0027672, MeSH D009386, MONDO:0015356.

Submissions (2):

Color Diagnostics, LLC DBA Color Health
Classification: Uncertain significance for Hereditary cancer-predisposing syndrome. Last evaluated: 2024-10-07. Review status: criteria provided, single submitter. Criteria: ACMG Guidelines, 2015. Collection method: clinical testing. Allele origin: germline.
Comment: This missense variant replaces serine with isoleucine at codon 823 of the MSH6 protein. Computational prediction suggests that this variant may have deleterious impact on protein structure and function (internally defined REVEL score threshold >= 0.7, PMID: 27666373). To our knowledge, functional studies have not been reported for this variant. This variant has not been reported in individuals affected with MSH6-related disorders in the literature. This variant has not been identified in the general population by the Genome Aggregation Database (gnomAD). The available evidence is insufficient to determine the role of this variant in disease conclusively. Therefore, this variant is classified as a Variant of Uncertain Significance.

Ambry Genetics
Classification: Uncertain significance for Hereditary cancer-predisposing syndrome. Last evaluated: 2019-05-17. Review status: criteria provided, single submitter. Criteria: Ambry Variant Classification Scheme 2023. Collection method: clinical testing. Allele origin: germline.
Comment: The p.S823I variant (also known as c.2468G>T), located in coding exon 4 of the MSH6 gene, results from a G to T substitution at nucleotide position 2468. The serine at codon 823 is replaced by isoleucine, an amino acid with dissimilar properties. This amino acid position is well conserved in available vertebrate species. In addition, the in silico prediction for this alteration is inconclusive. In addition, the CoDP in silico tool predicts this alteration to likely impair molecular function, with a score of 0.953 (Terui H et al. J. Biomed. Sci. 2013 Apr;20:25). Since supporting evidence is limited at this time, the clinical significance of this alteration remains unclear.